The following is an entry in ClinVar:

ClinVar aggregate classification (germline): Uncertain significance (1 of 4 stars; one submission).

Submission:

Labcorp Genetics (formerly Invitae), Labcorp
Classification: Uncertain significance. Last evaluated: 2025-11-06. Review status: criteria provided, single submitter. Criteria: Invitae Variant Classification Sherloc (09022015). Collection method: clinical testing. Allele origin: germline.
Comment: This variant, c.3223_3231dup, results in the insertion of 3 amino acid(s) of the COL2A1 protein (p.Ser1075_Gly1077dup), but otherwise preserves the integrity of the reading frame. This variant is present in population databases (no rsID available, gnomAD 0.01%). This variant has not been reported in the literature in individuals affected with COL2A1-related conditions. Experimental studies and prediction algorithms are not available or were not evaluated, and the functional significance of this variant is currently unknown. In summary, the available evidence is currently insufficient to determine the role of this variant in disease. Therefore, it has been classified as a Variant of Uncertain Significance.

NM_001844.5(COL2A1):c.3223_3231dup (p.Gly1077_Pro1078insSerProGly)

Gene: COL2A1 (collagen type II alpha 1 chain; minus strand). Cytogenetic location: 12q13.11.
Variant type: Duplication.
Coding change: c.3223_3231dup on transcript NM_001844.5 (MANE Select); coding-DNA positions 3223 to 3231, 9 bases duplicated (TCCCCTGGC; older notation c.3223_3231dupTCCCCTGGC).
Protein change: p.Gly1077_Pro1078insSerProGly.
Molecular consequence: inframe insertion.
Genome position (GRCh38, 1-based): chr12:47,977,362-47,977,370, GCCAGGGGA duplicated on the plus strand (TCCCCTGGC on the coding strand, the reverse complement: COL2A1 is on the minus strand); duplicating any 9 consecutive bases within chr12:47,977,362-47,977,378 gives the same sequence; the c. name uses the placement nearest the transcript's 3' end. VCF-style (leftmost placement, unchanged base first): chr12-47977361-G-GGCCAGGGGA. GRCh37 (hg19) VCF-style: chr12-48371144-G-GGCCAGGGGA.
Other names: c.3016_3024dup, p.Gly1008_Pro1009insSerProGly (NM_033150.3).
Identifiers: ClinVar variation 4730661 (VCV004730661.1).
Genomic context (GRCh38, chr12:47,977,361, plus strand): 5'-CTGAATTCAGGATACTTACAGCTTCTCCTCTGTCTCCTTGCTTGCCAGTTGGACCAGCGG[G>GGCCAGGGGA]GCCAGGGGAGCCAGGGGGCCCAGGGGCTCCAGGAGCTCCCACAGCACCAGTCTCACCACG-3'